The following is an entry in ClinVar:

NM_000156.6(GAMT):c.133T>A (p.Trp45Arg)

Genes: GAMT (guanidinoacetate N-methyltransferase; minus strand), LOC130062945 (ATAC-STARR-seq lymphoblastoid silent region 9707; plus strand). Cytogenetic location: 19p13.3.
Variant type: single nucleotide variant.
Coding change: c.133T>A on transcript NM_000156.6 (MANE Select); coding-DNA position 133, T replaced by A.
Protein change: p.Trp45Arg; replaces tryptophan 45 with arginine.
Molecular consequence: missense variant.
Genome position (GRCh38, 1-based): chr19:1,401,344, A>T on the plus strand (T>A on the coding strand, the complement: GAMT is on the minus strand). VCF-style: chr19-1401344-A-T. GRCh37 (hg19) VCF-style: chr19-1401343-A-T.
Other names: NM_000156.6(GAMT):c.133T>A; c.133T>A, p.Trp45Arg (NM_138924.3); short protein forms W45R.
Identifiers: ClinVar variation 328352 (VCV000328352.22), dbSNP rs886054247, ClinGen allele CA10651554.

ClinVar aggregate classification (germline): Pathogenic. Review status: reviewed by expert panel (3 of 4 stars). 8 submissions from 8 submitters: Pathogenic (1). 7 of the submissions do not count toward it. Last evaluated 2023-11-08.

Conditions:
Inborn genetic diseases. Identifiers: MedGen C0950123, MeSH D030342.
GAMT-related disorder. Also called: GAMT-related condition.
Cerebral creatine deficiency syndrome. Also called: Creatine deficiency syndromes. Identifiers: Orphanet 79172, MedGen C5244016, MONDO:0000456.
Deficiency of guanidinoacetate methyltransferase (CCDS2). Also called: CEREBRAL CREATINE DEFICIENCY SYNDROME 2; GAMT DEFICIENCY; Guanidinoacetate Methyltransferase (GAMT) Deficiency. Identifiers: Orphanet 382, MedGen C0574080, MONDO:0012999, OMIM 612736.

Allele frequency attached by ClinVar (database versions not stated): gnomAD exomes 0.00002 and 0.00008; TOPMed 0.00004; gnomAD 0.00005 and 0.00006.
gnomAD v4.1: 113 of 1,538,398 alleles (0.0073%); highest among the groups gnomAD compares: Non-Finnish European, 0.0096%; no homozygotes.

Submissions (8):

ClinGen Cerebral Creatine Deficiency Syndromes Variant Curation Expert Panel, ClinGen
Classification: Pathogenic for Deficiency of guanidinoacetate methyltransferase. Last evaluated: 2023-11-08. Review status: reviewed by expert panel. Criteria: ClinGen_CCDS_ACMG_Specifications_GAMT_v1.1. Collection method: curation. Allele origin: germline. Inheritance: Autosomal recessive inheritance.
Comment: The NM_000156.6:c.133T>A variant in GAMT is a missense variant predicted to cause substitution of tryptophan by arginine at amino acid 45 (p.Trp45Arg). This variant has been detected in 4 unrelated individuals with GAMT deficiency (PMID: 24415674, PMID: 29506905, PMID: 23660394, PMID: 24268530). Of those individuals, one was homozygous for the variant (PMID: 29506905), two were compound heterozygous for the variant and a pathogenic variant, c.327G>A, in trans (phase confirmed by parental testing) (PMID: 24415674, PMID: 23660394), and two were compound heterozygous for the variant and a pathogenic variant, c.327G>A, with phase unknown (PMID: 24268530) (3pts total, PM3_Strong). One of these individuals had an absent creatine peak and present GAA peak on brain MRS and elevated GAA in urine (PMID: 24415674) (PP4_Strong). The highest population minor allele frequency in gnomAD v2.1.1 is 0.00005 in the European (non-Finnish) population, which is lower than the ClinGen CCDS VCEP's threshold for PM2_Supporting (<0.0004), meeting this criterion (PM2_Supporting). Expression of the variant in GAMT-deficient fibroblasts resulted in undetectable GAMT activity indicating that this variant may impact protein function (PMID: 24415674)(PS3_Supporting). The computational predictor REVEL gives a score of 0.95 which is above the threshold of 0.75, evidence that correlates with impact to GAMT function (PP3). There is a ClinVar entry for this variant (Variation ID: 328352). In summary, this variant meets the criteria to be classified as pathogenic for GAMT deficiency based on the ACMG/AMP criteria applied, as specified by the ClinGen Cerebral Creatine Deficiency Syndromes Variant Curation Expert Panel (Specifications Version 1.1.0): PS3_Supporting, PM2_Supporting, PM3_Strong, PP3, PP4_Strong. (Classification approved by the ClinGen CCDS VCEP on Sept. 14, 2023)

Labcorp Genetics (formerly Invitae), Labcorp
Classification: Pathogenic for Cerebral creatine deficiency syndrome. Last evaluated: 2025-12-13. Review status: criteria provided, single submitter. Criteria: Invitae Variant Classification Sherloc (09022015). Collection method: clinical testing. Allele origin: germline. Not counted in ClinVar's aggregate classification.
Comment: This sequence change replaces tryptophan, which is neutral and slightly polar, with arginine, which is basic and polar, at codon 45 of the GAMT protein (p.Trp45Arg). This variant is present in population databases (no rsID available, gnomAD 0.005%). This missense change has been observed in individual(s) with cerebral creatine deficiency syndromes and/or guanidinoacetate methyltransferase deficiency (PMID: 23660394, 24415674). In at least one individual the data is consistent with being in trans (on the opposite chromosome) from a pathogenic variant. It has also been observed to segregate with disease in related individuals. ClinVar contains an entry for this variant (Variation ID: 328352). Invitae Evidence Modeling of protein sequence and biophysical properties (such as structural, functional, and spatial information, amino acid conservation, physicochemical variation, residue mobility, and thermodynamic stability) indicates that this missense variant is expected to disrupt GAMT protein function with a positive predictive value of 95%. Experimental studies have shown that this missense change affects GAMT function (PMID: 24415674). For these reasons, this variant has been classified as Pathogenic.

Natera, Inc.
Classification: Pathogenic for Guanidinoacetate methyltransferase deficiency. Last evaluated: 2024-12-14. Review status: criteria provided, single submitter. Criteria: Natera Variant Classification Schema (03/2026). Collection method: clinical testing. Allele origin: germline. Not counted in ClinVar's aggregate classification.
Comment: The c.133T>A variant in GAMT is a missense variant predicted to cause substitution of tryptophan to arginine at amino acid 45. This variant is rare in the general population with a frequency below the threshold expected for the associated phenotype(s). This variant has been observed in one or more individuals affected with the associated recessive disease, as either homozygous or compound heterozygous with a second variant (PMID: 24415674, 24268530, 29506905). Additionally, this variant has been observed to segregate in affected family members (PMID: 24415674). Functional studies show that this variant may disrupt protein function (PMID: 24415674). Computational prediction algorithms indicate this variant is likely to affect gene or protein function. Given the available evidence, this variant is classified as Pathogenic.

Blueprint Genetics
Classification: Pathogenic for GAMT-related disorders. Last evaluated: 2024-11-05. Review status: criteria provided, single submitter. Criteria: ACMG Guidelines, 2015. Collection method: clinical testing. Allele origin: germline. Affected: yes. Observed: 5 variant alleles. Not counted in ClinVar's aggregate classification.

Ambry Genetics
Classification: Pathogenic for Inborn genetic diseases. Last evaluated: 2024-08-14. Review status: criteria provided, single submitter. Criteria: Ambry Variant Classification Scheme 2023. Collection method: clinical testing. Allele origin: germline. Not counted in ClinVar's aggregate classification.
Comment: The c.133T>A (p.W45R) alteration is located in exon 1 (coding exon 1) of the GAMT gene. This alteration results from a T to A substitution at nucleotide position 133, causing the tryptophan (W) at amino acid position 45 to be replaced by an arginine (R). Based on data from gnomAD, the A allele has an overall frequency of 0.003% (4/160944) total alleles studied. The highest observed frequency was 0.005% (4/73650) of European (non-Finnish) alleles. This alteration was detected in conjunction with another alteration in GAMT in multiple individuals with GAMT-related cerebral creatine deficiency syndrome (Comeaux, 2013; Mercimek-Mahmutoglu, 2014). This amino acid position is highly conserved in available vertebrate species. In an assay testing GAMT function, this variant showed a functionally abnormal result (Mercimek-Mahmutoglu, 2014). This alteration is predicted to be deleterious by in silico analysis. Based on the available evidence, this alteration is classified as pathogenic.

Fulgent Genetics
Classification: Pathogenic for Deficiency of guanidinoacetate methyltransferase. Last evaluated: 2022-03-02. Review status: criteria provided, single submitter. Criteria: ACMG Guidelines, 2015. Collection method: clinical testing. Allele origin: unknown. Not counted in ClinVar's aggregate classification.

Broad Center for Mendelian Genomics, Broad Institute of MIT and Harvard
Classification: Pathogenic for Cerebral creatine deficiency syndrome. Last evaluated: 2021-11-02. Review status: criteria provided, single submitter. Criteria: ACMG Guidelines, 2015. Collection method: curation. Allele origin: germline. Inheritance: Autosomal recessive inheritance. Not counted in ClinVar's aggregate classification.
Comment: The p.Trp45Arg variant in GAMT has been reported in 5 individuals with cerebral creatine deficiency syndrome (PMID: 23660394, 24268530, 24415674, 29506905), segregated with disease in 1 affected relative from 1 family (PMID: 24415674), and has been identified in 0.005% (4/73650) of European (Non-Finnish) chromosomes by the Genome Aggregation Database (gnomAD; dbSNP ID: rs886054247). Although this variant has been seen in the general population in a heterozygous state, its frequency is low enough to be consistent with a recessive carrier frequency. Of the 5 affected individuals, 1 of those was a homozygote, 2 were compound heterozygotes that carried reported pathogenic variants in trans, and 2 were compound heterozygotes that carried a reported pathogenic variant with unknown phase, which increases the likelihood that the p.Trp45Arg variant is pathogenic (VariationID: 21065, 858462; PMID: 23660394, 24268530, 24415674, 29506905). This variant has also been reported in ClinVar (Variation ID#: 328352) and has been interpreted as pathogenic by Illumina Clinical Services Laboratory (Illumina) and Invitae. In vitro functional studies provide some evidence that the p.Trp45Arg variant may slightly impact protein function (PMID: 24415674). However, these types of assays may not accurately represent biological function. Computational prediction tools and conservation analyses suggest that this variant may impact the protein. The phenotype of individuals homozygous or compound heterozygous for this variant is highly specific for cerebral creatine deficiency syndrome based on strict biochemical investigations consistent with disease (PMID: 15651030, 24415674). In summary, this variant meets criteria to be classified as pathogenic for autosomal recessive cerebral creatine deficiency syndrome. ACMG/AMP Criteria applied: PM3_strong, PM2_supporting, PP3, PS3_supporting, PP4_strong (Richards 2015).

Illumina Laboratory Services, Illumina
Classification: Pathogenic for Deficiency of guanidinoacetate methyltransferase. Last evaluated: 2017-04-28. Review status: criteria provided, single submitter. Criteria: ICSL Variant Classification Criteria 09 May 2019. Collection method: clinical testing. Allele origin: germline. Not counted in ClinVar's aggregate classification.
Comment: The GAMT c.133T>A (p.Trp45Arg) variant has been reported in three studies in which it is found in a compound heterozygous state in five individuals with guanidinoacetate methyltransferase deficiency, including two siblings. In four individuals, the variant was detected in trans with a known pathogenic splicing defect, and in one subject the variant was detected in trans with a frameshift variant (Comeaux et al. 2013; Stockler-Ipsirogulu et al. 2014; Mercimek-Mahmutoglu et al. 2014). Control data are unavailable for the p.Trp45Arg variant, which is also not found in the 1000 Genomes Project, the Exome Sequencing Project, or the Exome Aggregation Consortium. The Trp45 residue is highly conserved. Functional studies by Mercimek-Mahmutoglu et al. (2014) have demonstrated that the p.Trp45Arg variant results in decreased protein expression and undetectable enzyme activity. Protein structure modelling predicts that the p.Trp45Arg variant would cause a stereochemical clash and likely alter protein folding (Comeaux et al. 2013). Based on the collective evidence, the p.Trp45Arg variant is classified as pathogenic for guanidinoacetate methyltransferase deficiency. This variant was observed by ICSL as part of a predisposition screen in an ostensibly healthy population.

Literature cited by the submitters: PubMed 23660394 (cited by 3 submitters); PubMed 24415674 (cited by 5 submitters); PubMed 24268530 (cited by Natera, Inc. and Illumina Laboratory Services, Illumina); PubMed 29506905 (cited by Natera, Inc.).